The following is an entry in ClinVar:

ClinVar aggregate classification (germline): Uncertain significance (1 of 4 stars; one submission).

Conditions:
Aortic aneurysm, familial thoracic 7 (AAT7). Also called: AORTIC DISSECTION, FAMILIAL, WITH OR WITHOUT AORTIC ANEURYSM. Identifiers: MedGen C3151077, MONDO:0013418, OMIM 613780.

gnomAD v4.1: 10 of 1,562,916 alleles (0.00064%); highest among the groups gnomAD compares: South Asian, 0.0035%; no homozygotes.

Submission:

Labcorp Genetics (formerly Invitae), Labcorp
Classification: Uncertain significance for Aortic aneurysm, familial thoracic 7. Last evaluated: 2025-02-28. Review status: criteria provided, single submitter. Criteria: Invitae Variant Classification Sherloc (09022015). Collection method: clinical testing. Allele origin: germline.
Comment: This sequence change replaces threonine, which is neutral and polar, with isoleucine, which is neutral and non-polar, at codon 582 of the MYLK protein (p.Thr582Ile). The frequency data for this variant in the population databases is considered unreliable, as metrics indicate poor data quality at this position in the gnomAD database. This variant has not been reported in the literature in individuals affected with MYLK-related conditions. Invitae Evidence Modeling of protein sequence and biophysical properties (such as structural, functional, and spatial information, amino acid conservation, physicochemical variation, residue mobility, and thermodynamic stability) indicates that this missense variant is not expected to disrupt MYLK protein function with a negative predictive value of 80%. In summary, the available evidence is currently insufficient to determine the role of this variant in disease. Therefore, it has been classified as a Variant of Uncertain Significance.

NM_053025.4(MYLK):c.1745C>T (p.Thr582Ile)

Gene: MYLK (myosin light chain kinase; minus strand). Cytogenetic location: 3q21.1.
Variant type: single nucleotide variant.
Coding change: c.1745C>T on transcript NM_053025.4 (MANE Select); coding-DNA position 1745, C replaced by T.
Protein change: p.Thr582Ile; replaces threonine 582 with isoleucine.
Molecular consequence: missense variant.
Genome position (GRCh38, 1-based): chr3:123,722,187, G>A on the plus strand (C>T on the coding strand, the complement: MYLK is on the minus strand). VCF-style: chr3-123722187-G-A. GRCh37 (hg19) VCF-style: chr3-123441034-G-A.
Other names: c.1217C>T, p.Thr406Ile (NM_001321309.2); c.1538C>T, p.Thr513Ile (NM_053026.4, NM_053028.4); c.1745C>T, p.Thr582Ile (NM_053027.4); short protein forms T582I, T406I, T513I.
Identifiers: ClinVar variation 4711014 (VCV004711014.1).